The following is an entry in ClinVar:

NM_016151.4(TAOK2):c.2607A>G (p.Thr869=)

Gene: TAOK2 (TAO kinase 2; plus strand). Cytogenetic location: 16p11.2.
Variant type: single nucleotide variant.
Coding change: c.2607A>G on transcript NM_016151.4 (MANE Select); coding-DNA position 2607, A replaced by G.
Protein change: p.Thr869=; no amino-acid change (threonine 869 retained).
Molecular consequence: synonymous variant. On other transcripts: intron variant (1).
Genome position (GRCh38, 1-based): chr16:29,986,879, A>G. VCF-style: chr16-29986879-A-G. GRCh37 (hg19) VCF-style: chr16-29998200-A-G.
Other names: c.2268A>G, p.Thr756= (NM_001252043.2); c.2232+375A>G (NM_004783.4).
Identifiers: ClinVar variation 1170586 (VCV001170586.13), dbSNP rs4077410, ClinGen allele CA7998419.

ClinVar aggregate classification (germline): Benign. Review status: criteria provided, multiple submitters, no conflicts (2 of 4 stars). 4 submissions from 4 submitters: Benign (3). 1 of the submissions does not count toward it. Last evaluated 2026-02-04.

Conditions:
TAOK2-related disorder. Also called: TAOK2-related condition.

Allele frequency attached by ClinVar (database versions not stated): gnomAD 0.51104 and 0.51345; 1000 Genomes Project 30x 0.48891; ESP Exome Variant Server 0.52940; 1000 Genomes Project 0.48462; gnomAD exomes 0.48797; ExAC 0.49222; TOPMed 0.51054.
gnomAD v4.1: 825,226 of 1,613,572 alleles (51%); highest among the groups gnomAD compares: African/African-American, 55%; 213,116 homozygotes.

Submissions (4):

Labcorp Genetics (formerly Invitae), Labcorp
Classification: Benign. Last evaluated: 2026-02-04. Review status: criteria provided, single submitter. Criteria: Invitae Variant Classification Sherloc (09022015). Collection method: clinical testing. Allele origin: germline.

GeneDx
Classification: Benign. Last evaluated: 2020-02-26. Review status: criteria provided, single submitter. Criteria: GeneDx Variant Classification Process June 2021. Collection method: clinical testing. Allele origin: germline. Affected: yes.

Breakthrough Genomics
Classification: Benign. Review status: criteria provided, single submitter. Criteria: ACMG Guidelines, 2015. Collection method: not provided. Allele origin: germline. Inheritance: Unknown mechanism. Affected: yes.

PreventionGenetics, part of Exact Sciences
Classification: Benign for TAOK2-related condition. Last evaluated: 2019-10-17. Review status: no assertion criteria provided. Collection method: clinical testing. Allele origin: germline. Not counted in ClinVar's aggregate classification.
Comment: This variant is classified as benign based on ACMG/AMP sequence variant interpretation guidelines (Richards et al. 2015 PMID: 25741868, with internal and published modifications).